The following is an entry in ClinVar:

ClinVar aggregate classification (germline): Benign (1 of 4 stars; one submission).

Allele frequency attached by ClinVar (database versions not stated): gnomAD 0.41228 and 0.41640; TOPMed 0.42864; 1000 Genomes Project 30x 0.50141; 1000 Genomes Project 0.50220.
gnomAD v4.1: 63,182 of 152,010 alleles (42%); highest among the groups gnomAD compares: East Asian, 78%; 13,935 homozygotes.

Submission:

GeneDx
Classification: Benign. Last evaluated: 2018-06-14. Review status: criteria provided, single submitter. Criteria: GeneDx Variant Classification (06012015). Collection method: clinical testing. Allele origin: germline. Affected: yes.
Comment: This variant is considered likely benign or benign based on one or more of the following criteria: it is a conservative change, it occurs at a poorly conserved position in the protein, it is predicted to be benign by multiple in silico algorithms, and/or has population frequency not consistent with disease.

NM_000238.4(KCNH2):c.917-230A>G

Gene: KCNH2 (potassium voltage-gated channel subfamily H member 2; minus strand). Cytogenetic location: 7q36.1.
Variant type: single nucleotide variant.
Coding change: c.917-230A>G on transcript NM_000238.4 (MANE Select); 230 bases into the intron before coding-DNA position 917, A replaced by G.
Molecular consequence: intron variant.
Genome position (GRCh38, 1-based): chr7:150,957,732, T>C on the plus strand (A>G on the coding strand, the complement: KCNH2 is on the minus strand). VCF-style: chr7-150957732-T-C. GRCh37 (hg19) VCF-style: chr7-150654820-T-C.
Other names: c.629-230A>G (NM_001406753.1, NM_001406756.1); c.917-230A>G (NM_172056.3); c.740-230A>G (NM_001406755.1); c.617-230A>G (NM_001406757.1).
Identifiers: ClinVar variation 678032 (VCV000678032.3), dbSNP rs4725385, ClinGen allele CA12488560.
Genomic context (GRCh38, chr7:150,957,732, plus strand): 5'-TCTAAGGAAGCAGCCAGGAGACAGCCCTGAGACCAGGAAGAGGAAGAGGAAACGGTCTGC[T>C]CCAGGACGCTGGCAGGCAGGGGGCCAGGTGGTGTTCGGAGGCTGGGCACGTCTCCTGCCC-3'